The following is an entry in ClinVar:

ClinVar aggregate classification (germline): Benign/Likely benign. Review status: criteria provided, multiple submitters, no conflicts (2 of 4 stars). 4 submissions from 4 submitters: Benign (2); Likely benign (1). 1 of the submissions does not count toward it. Last evaluated 2026-01-09.

Conditions:
APPL1-related disorder. Also called: APPL1-related condition.
Maturity-onset diabetes of the young type 14. Also called: MODY 14. Identifiers: Orphanet 552, MedGen C4225299, MONDO:0014674, OMIM 616511.

Allele frequency attached by ClinVar (database versions not stated): gnomAD exomes 0.00029 and 0.00068; ExAC 0.00087; gnomAD 0.00276 and 0.00300; 1000 Genomes Project 0.00300; TOPMed 0.00324; 1000 Genomes Project 30x 0.00328; ESP Exome Variant Server 0.00361.

Submissions (4):

Labcorp Genetics (formerly Invitae), Labcorp
Classification: Benign. Last evaluated: 2026-01-09. Review status: criteria provided, single submitter. Criteria: Invitae Variant Classification Sherloc (09022015). Collection method: clinical testing. Allele origin: germline.

Fulgent Genetics
Classification: Likely benign for Maturity-onset diabetes of the young type 14. Last evaluated: 2022-03-08. Review status: criteria provided, single submitter. Criteria: ACMG Guidelines, 2015. Collection method: clinical testing. Allele origin: unknown.

Genetic Services Laboratory, University of Chicago
Classification: Benign. Last evaluated: 2018-10-26. Review status: criteria provided, single submitter. Criteria: ACMG Guidelines, 2015. Collection method: clinical testing. Allele origin: germline. Affected: no.

PreventionGenetics, part of Exact Sciences
Classification: Benign for APPL1-related condition. Last evaluated: 2019-08-12. Review status: no assertion criteria provided. Collection method: clinical testing. Allele origin: germline. Not counted in ClinVar's aggregate classification.
Comment: This variant is classified as benign based on ACMG/AMP sequence variant interpretation guidelines (Richards et al. 2015 PMID: 25741868, with internal and published modifications).

NM_012096.3(APPL1):c.1262C>T (p.Pro421Leu)

Gene: APPL1 (adaptor protein, phosphotyrosine interacting with PH domain and leucine zipper 1; plus strand). Cytogenetic location: 3p14.3.
Variant type: single nucleotide variant.
Coding change: c.1262C>T on transcript NM_012096.3 (MANE Select); coding-DNA position 1262, C replaced by T.
Protein change: p.Pro421Leu; replaces proline 421 with leucine.
Molecular consequence: missense variant.
Genome position (GRCh38, 1-based): chr3:57,257,260, C>T. VCF-style: chr3-57257260-C-T. GRCh37 (hg19) VCF-style: chr3-57291288-C-T.
Other names: short protein forms P421L.
Identifiers: ClinVar variation 1336005 (VCV001336005.14), dbSNP rs35776173, ClinGen allele CA2463776.